The following is an entry in ClinVar:

ClinVar aggregate classification (germline): Likely benign. Review status: criteria provided, multiple submitters, no conflicts (2 of 4 stars). 3 submissions from 3 submitters: Likely benign (2). 1 of the submissions does not count toward it. Last evaluated 2026-01-27.

Conditions:
NBAS-related disorder. Also called: NBAS-related condition.

Allele frequency attached by ClinVar (database versions not stated): TOPMed 0.00006; gnomAD 0.00007; gnomAD exomes 0.00007 and 0.00017; ExAC 0.00010; ESP Exome Variant Server 0.00015.
gnomAD v4.1: 259 of 1,612,840 alleles (0.016%); highest among the groups gnomAD compares: Non-Finnish European, 0.02%; no homozygotes.

Submissions (3):

Labcorp Genetics (formerly Invitae), Labcorp
Classification: Likely benign. Last evaluated: 2026-01-27. Review status: criteria provided, single submitter. Criteria: Invitae Variant Classification Sherloc (09022015). Collection method: clinical testing. Allele origin: germline.

Blueprint Genetics
Classification: Likely benign. Last evaluated: 2023-04-20. Review status: criteria provided, single submitter. Criteria: ACMG Guidelines, 2015. Collection method: clinical testing. Allele origin: germline.

PreventionGenetics, part of Exact Sciences
Classification: Likely benign for NBAS-related condition. Last evaluated: 2019-06-03. Review status: no assertion criteria provided. Collection method: clinical testing. Allele origin: germline. Not counted in ClinVar's aggregate classification.
Comment: This variant is classified as likely benign based on ACMG/AMP sequence variant interpretation guidelines (Richards et al. 2015 PMID: 25741868, with internal and published modifications).

NM_015909.4(NBAS):c.2079T>C (p.Asp693=)

Gene: NBAS (NBAS subunit of NRZ tethering complex; minus strand). Cytogenetic location: 2p24.3.
Variant type: single nucleotide variant.
Coding change: c.2079T>C on transcript NM_015909.4 (MANE Select); coding-DNA position 2079, T replaced by C.
Protein change: p.Asp693=; no amino-acid change (aspartic acid 693 retained).
Molecular consequence: synonymous variant. On other transcripts: non-coding transcript variant (1).
Genome position (GRCh38, 1-based): chr2:15,467,347, A>G on the plus strand (T>C on the coding strand, the complement: NBAS is on the minus strand). VCF-style: chr2-15467347-A-G. GRCh37 (hg19) VCF-style: chr2-15607471-A-G.
Other names: c.2079T>C (NM_015909.3).
Identifiers: ClinVar variation 1090756 (VCV001090756.12), dbSNP rs146792030, ClinGen allele CA1536473.
Genomic context (GRCh38, chr2:15,467,347, plus strand): 5'-GATCAAATGAACATAATTGGTTTGACAAAAATTATTCATTACCTCATATGTTGCAAGTCG[A>G]TCTAAGTAGGTTAATAACTTCCGTCTACAACGGCAAAGTTCCTTTTGTTCCAGTGTCAAC-3'
Protein context (NP_056993.2, residues 683-703): RCRRKLLTYL[Asp693=]RLATYEEILG